The following is an entry in ClinVar:

ClinVar aggregate classification (germline): Uncertain significance (1 of 4 stars; one submission).

Submission:

Ambry Genetics
Classification: Uncertain significance. Last evaluated: 2024-04-26. Review status: criteria provided, single submitter. Criteria: Ambry Variant Classification Scheme 2023. Collection method: clinical testing. Allele origin: germline.
Comment: The p.Q40* variant (also known as c.118C>T), located in coding exon 1 of the GALNT12 gene, results from a C to T substitution at nucleotide position 118. This changes the amino acid from a glutamine to a stop codon within coding exon 1. This alteration is expected to result in loss of function by premature protein truncation or nonsense-mediated mRNA decay. The evidence for this gene-disease relationship is limited; therefore, the clinical significance of this alteration is unclear.

NM_024642.5(GALNT12):c.118C>T (p.Gln40Ter)

Gene: GALNT12 (polypeptide N-acetylgalactosaminyltransferase 12; plus strand). Cytogenetic location: 9q22.33.
Variant type: single nucleotide variant.
Coding change: c.118C>T on transcript NM_024642.5 (MANE Select); coding-DNA position 118, C replaced by T.
Protein change: p.Gln40Ter; replaces glutamine 40 with a stop codon.
Molecular consequence: nonsense.
Genome position (GRCh38, 1-based): chr9:98,807,816, C>T. VCF-style: chr9-98807816-C-T. GRCh37 (hg19) VCF-style: chr9-101570098-C-T.
Other names: short protein forms Q40*.
Identifiers: ClinVar variation 3280570 (VCV003280570.1).